The following is an entry in ClinVar:

NM_031448.6(C19orf12):c.400C>T (p.Arg134Trp)

Gene: C19orf12 (chromosome 19 open reading frame 12; minus strand). Cytogenetic location: 19q12.
Variant type: single nucleotide variant.
Coding change: c.400C>T on transcript NM_031448.6 (MANE Select); coding-DNA position 400, C replaced by T.
Protein change: p.Arg134Trp; replaces arginine 134 with tryptophan.
Molecular consequence: missense variant. On other transcripts: 3 prime UTR variant (1).
Genome position (GRCh38, 1-based): chr19:29,702,738, G>A on the plus strand (C>T on the coding strand, the complement: C19orf12 is on the minus strand). VCF-style: chr19-29702738-G-A. GRCh37 (hg19) VCF-style: chr19-30193645-G-A.
Other names: c.400C>T, p.Arg134Trp (NM_001031726.4, NM_001256047.2); c.*21C>T (NM_001256046.3); c.208C>T, p.Arg70Trp (NM_001282929.1, NM_001282930.3, NM_001282931.3); short protein forms R134W, R70W.
Identifiers: ClinVar variation 1682820 (VCV001682820.8), dbSNP rs1176245027, ClinGen allele CA405142275.

ClinVar aggregate classification (germline): Uncertain significance (1 of 4 stars; one submission).

Conditions:
Hereditary spastic paraplegia 43. Also called: Spastic paraplegia 43, autosomal recessive. Identifiers: Orphanet 320370, MedGen C2680446, MONDO:0014024, OMIM 615043.

Allele frequency attached by ClinVar (database versions not stated): gnomAD 0.00001 and 0.00002; TOPMed 0.00003.

Submission:

Labcorp Genetics (formerly Invitae), Labcorp
Classification: Uncertain significance for Hereditary spastic paraplegia 43. Last evaluated: 2024-05-20. Review status: criteria provided, single submitter. Criteria: Invitae Variant Classification Sherloc (09022015). Collection method: clinical testing. Allele origin: germline.
Comment: This sequence change replaces arginine, which is basic and polar, with tryptophan, which is neutral and slightly polar, at codon 145 of the C19orf12 protein (p.Arg145Trp). This variant is not present in population databases (gnomAD no frequency). This variant has not been reported in the literature in individuals affected with C19orf12-related conditions. ClinVar contains an entry for this variant (Variation ID: 1682820). An algorithm developed to predict the effect of missense changes on protein structure and function (PolyPhen-2) suggests that this variant is likely to be disruptive. In summary, the available evidence is currently insufficient to determine the role of this variant in disease. Therefore, it has been classified as a Variant of Uncertain Significance.